The following is an entry in ClinVar:

ClinVar aggregate classification (germline): Benign. Review status: criteria provided, single submitter (1 of 4 stars). 2 submissions from 2 submitters: Benign (1). 1 of the submissions does not count toward it. Last evaluated 2018-07-26.

Conditions:
MADD-related disorder. Also called: MADD-related condition; MADD-Related Disorders.

Allele frequency attached by ClinVar (database versions not stated): gnomAD exomes 0.00054 and 0.00147; ExAC 0.00182; 1000 Genomes Project 0.00479; 1000 Genomes Project 30x 0.00484; gnomAD 0.00612 and 0.00669; TOPMed 0.00684; ESP Exome Variant Server 0.00769.
gnomAD v4.1: 1,752 of 1,614,218 alleles (0.11%); highest among the groups gnomAD compares: African/African-American, 2.1%; 25 homozygotes.

Submissions (2):

Labcorp Genetics (formerly Invitae), Labcorp
Classification: Benign. Last evaluated: 2018-07-26. Review status: criteria provided, single submitter. Criteria: Invitae Variant Classification Sherloc (09022015). Collection method: clinical testing. Allele origin: germline.

PreventionGenetics, part of Exact Sciences
Classification: Benign for MADD-related condition. Last evaluated: 2019-10-28. Review status: no assertion criteria provided. Collection method: clinical testing. Allele origin: germline. Not counted in ClinVar's aggregate classification.
Comment: This variant is classified as benign based on ACMG/AMP sequence variant interpretation guidelines (Richards et al. 2015 PMID: 25741868, with internal and published modifications).

NM_001376571.1(MADD):c.131C>A (p.Thr44Asn)

Gene: MADD (MAP kinase activating death domain; plus strand). Cytogenetic location: 11p11.2.
Variant type: single nucleotide variant.
Coding change: c.131C>A on transcript NM_001376571.1 (MANE Select); coding-DNA position 131, C replaced by A.
Protein change: p.Thr44Asn; replaces threonine 44 with asparagine.
Molecular consequence: missense variant. On other transcripts: 5 prime UTR variant (12), non-coding transcript variant (8), intron variant (1).
Genome position (GRCh38, 1-based): chr11:47,274,631, C>A. VCF-style: chr11-47274631-C-A. GRCh37 (hg19) VCF-style: chr11-47296182-C-A.
Other names: c.131C>A, p.Thr44Asn (NM_001135943.2, NM_001135944.2, NM_001376572.1 and 80 more transcripts); c.-74C>A (NM_001376620.1, NM_001376626.1, NM_001376627.1 and 9 more transcripts); c.-7-1268C>A (NM_001376663.1); short protein forms T44N.
Identifiers: ClinVar variation 709997 (VCV000709997.6), dbSNP rs116121413, ClinGen allele CA5973801.